The following is an entry in ClinVar:

NM_015046.7(SETX):c.4936C>T (p.Gln1646Ter)

Gene: SETX (senataxin; minus strand). Cytogenetic location: 9q34.13.
Variant type: single nucleotide variant.
Coding change: c.4936C>T on transcript NM_015046.7 (MANE Select); coding-DNA position 4936, C replaced by T.
Protein change: p.Gln1646Ter; replaces glutamine 1646 with a stop codon.
Molecular consequence: nonsense.
Genome position (GRCh38, 1-based): chr9:132,326,662, G>A on the plus strand (C>T on the coding strand, the complement: SETX is on the minus strand). VCF-style: chr9-132326662-G-A. GRCh37 (hg19) VCF-style: chr9-135202049-G-A.
Other names: c.4936C>T, p.Gln1646Ter (NM_001351527.2, NM_001351528.2); short protein forms Q1646*.
Identifiers: ClinVar variation 280291 (VCV000280291.2), dbSNP rs886041522, ClinGen allele CA10603091.

ClinVar aggregate classification (germline): Pathogenic (1 of 4 stars; one submission).

Submission:

GeneDx
Classification: Pathogenic. Last evaluated: 2016-01-26. Review status: criteria provided, single submitter. Criteria: GeneDx Variant Classification (06012015). Collection method: clinical testing. Allele origin: germline. Affected: yes.
Comment: The Q1646X variant in the SETX gene has not been reported previously as a pathogenic variant nor as a benign variant, to our knowledge. This variant is predicted to cause loss of normal protein function either through protein truncation or nonsense-mediated mRNA decay. The Q1646X variant was not observed in approximately 6500 individuals of European and African American ancestry in the NHLBI Exome Sequencing Project, indicating it is not a common benign variant in these populations. Therefore, we interpret Q1646X as a pathogenic variant.